The following is an entry in ClinVar:

NM_001999.4(FBN2):c.1126G>T (p.Ala376Ser)

Gene: FBN2 (fibrillin 2; minus strand). Cytogenetic location: 5q23.3.
Variant type: single nucleotide variant.
Coding change: c.1126G>T on transcript NM_001999.4 (MANE Select); coding-DNA position 1126, G replaced by T.
Protein change: p.Ala376Ser; replaces alanine 376 with serine.
Molecular consequence: missense variant.
Genome position (GRCh38, 1-based): chr5:128,395,227, C>A on the plus strand (G>T on the coding strand, the complement: FBN2 is on the minus strand). VCF-style: chr5-128395227-C-A. GRCh37 (hg19) VCF-style: chr5-127730920-C-A.
Other names: short protein forms A376S.
Identifiers: ClinVar variation 519817 (VCV000519817.7), dbSNP rs746951402, ClinGen allele CA127035235.

ClinVar aggregate classification (germline): Uncertain significance. Review status: criteria provided, multiple submitters, no conflicts (2 of 4 stars). 2 submissions from 2 submitters: Uncertain significance (2). Last evaluated 2025-02-23.

Conditions:
Congenital contractural arachnodactyly (CCA). Also called: BEALS SYNDROME; Beals-Hecht syndrome; Arthrogryposis, distal, type 9. Identifiers: Orphanet 115, MedGen C0220668, MONDO:0007363, OMIM 121050.
Familial thoracic aortic aneurysm and aortic dissection (TAAD). Also called: Thoracic aortic aneurysms and dissections. Identifiers: Orphanet 91387, MedGen C4707243, MONDO:0019625.

gnomAD v4.1: 11 of 1,614,082 alleles (0.00068%); highest among the groups gnomAD compares: Non-Finnish European, 0.00085%; no homozygotes.

Submissions (2):

Labcorp Genetics (formerly Invitae), Labcorp
Classification: Uncertain significance for Congenital contractural arachnodactyly. Last evaluated: 2025-02-23. Review status: criteria provided, single submitter. Criteria: Invitae Variant Classification Sherloc (09022015). Collection method: clinical testing. Allele origin: germline.
Comment: This sequence change replaces alanine, which is neutral and non-polar, with serine, which is neutral and polar, at codon 376 of the FBN2 protein (p.Ala376Ser). This variant is not present in population databases (gnomAD no frequency). This variant has not been reported in the literature in individuals affected with FBN2-related conditions. ClinVar contains an entry for this variant (Variation ID: 519817). Invitae Evidence Modeling of protein sequence and biophysical properties (such as structural, functional, and spatial information, amino acid conservation, physicochemical variation, residue mobility, and thermodynamic stability) indicates that this missense variant is not expected to disrupt FBN2 protein function with a negative predictive value of 80%. In summary, the available evidence is currently insufficient to determine the role of this variant in disease. Therefore, it has been classified as a Variant of Uncertain Significance.

Ambry Genetics
Classification: Uncertain significance for Familial thoracic aortic aneurysm and aortic dissection. Last evaluated: 2016-05-06. Review status: criteria provided, single submitter. Criteria: Ambry Variant Classification Scheme 2023. Collection method: clinical testing. Allele origin: germline.
Comment: The p.A376S variant (also known as c.1126G>T), located in coding exon 9 of the FBN2 gene, results from a G to T substitution at nucleotide position 1126. The alanine at codon 376 is replaced by serine, an amino acid with similar properties, and is located in the TGFBP #01 domain. This variant was not reported in population based cohorts in the following databases: Database of Single Nucleotide Polymorphisms (dbSNP), NHLBI Exome Sequencing Project (ESP), and 1000 Genomes Project. In the ESP, this variant was not observed in 6503 samples (13006 alleles) with coverage at this position. This amino acid position is well conserved in available vertebrate species. In addition, the in silico prediction for this alteration is inconclusive. Since supporting evidence is limited at this time, the clinical significance of this variant remains unclear.